The following is an entry in ClinVar:

NM_025137.4(SPG11):c.2608A>G (p.Ile870Val)

Gene: SPG11 (SPG11 vesicle trafficking associated, spatacsin; minus strand). Cytogenetic location: 15q21.1.
Variant type: single nucleotide variant.
Coding change: c.2608A>G on transcript NM_025137.4 (MANE Select); coding-DNA position 2608, A replaced by G.
Protein change: p.Ile870Val; replaces isoleucine 870 with valine.
Molecular consequence: missense variant.
Genome position (GRCh38, 1-based): chr15:44,621,771, T>C on the plus strand (A>G on the coding strand, the complement: SPG11 is on the minus strand). VCF-style: chr15-44621771-T-C. GRCh37 (hg19) VCF-style: chr15-44913969-T-C.
Other names: c.2608A>G, p.Ile870Val (NM_001160227.2); short protein forms I870V.
Identifiers: ClinVar variation 41293 (VCV000041293.3), dbSNP rs312262745, ClinGen allele CA344320.

ClinVar aggregate classification (germline): Pathogenic. Review status: criteria provided, single submitter (1 of 4 stars). 2 submissions from 2 submitters: Pathogenic (1). 1 of the submissions does not count toward it. Last evaluated 2024-10-28.

Conditions:
Hereditary spastic paraplegia. Also called: Familial spastic paraparesis. Identifiers: Orphanet 685, MedGen C0037773, MONDO:0019064. Disease mechanism: loss of function.
Hereditary spastic paraplegia 11. Also called: SPASTIC PARAPLEGIA, AUTOSOMAL RECESSIVE, COMPLICATED, WITH THIN CORPUS CALLOSUM; SPASTIC PARAPLEGIA, AUTOSOMAL RECESSIVE, WITH MENTAL IMPAIRMENT AND THIN CORPUS CALLOSUM; Spastic paraplegia, mental retardation and thin corpus callosum; Spastic Paraplegia 11; Nakamura Osame syndrome; Autosomal recessive hereditary spastic paraplegia, mental impairment, and thin corpus callosum. Identifiers: Orphanet 2822, MedGen C1858479, MONDO:0011445, OMIM 604360.

Allele frequency attached by ClinVar (database versions not stated): gnomAD exomes below 0.00001; TOPMed below 0.00001.
gnomAD v4.1: 1 of 1,614,036 alleles (0.000062%); highest among the groups gnomAD compares: Non-Finnish European, 0.000085%; no homozygotes.

Submissions (2):

Women's Health and Genetics/Laboratory Corporation of America, LabCorp
Classification: Pathogenic for Hereditary spastic paraplegia. Last evaluated: 2024-10-28. Review status: criteria provided, single submitter. Criteria: LabCorp Variant Classification Summary - May 2015. Collection method: clinical testing. Allele origin: germline.
Comment: Variant summary: SPG11 c.2608A>G (p.Ile870Val) results in a conservative amino acid change in the encoded protein sequence. Five of five in-silico tools predict a benign effect of the variant on protein function. The variant was absent in 251328 control chromosomes. c.2608A>G has been reported in the literature in multiple homozygous or compound heterozygous individuals affected with Hereditary Spastic Paraplegia, Type 11 (Pippucci_2009, Orlacchio_2010, Fu_20221). These data indicate that the variant is very likely to be associated with disease. To our knowledge, no experimental evidence demonstrating an impact on protein function has been reported. The following publications have been ascertained in the context of this evaluation (PMID: 35464835, 20110243, 19087158). ClinVar contains an entry for this variant (Variation ID: 41293). Based on the evidence outlined above, the variant was classified as pathogenic.

GeneReviews
No classification provided. Condition: Hereditary spastic paraplegia 11. Review status: no classification provided. Collection method: literature only. Allele origin: unknown. Not counted in ClinVar's aggregate classification.

Literature cited by the submitters: PubMed 35464835 (cited by Women's Health and Genetics/Laboratory Corporation of America, LabCorp); PubMed 20110243 (cited by Women's Health and Genetics/Laboratory Corporation of America, LabCorp); PubMed 19087158 (cited by Women's Health and Genetics/Laboratory Corporation of America, LabCorp and GeneReviews); PubMed 20301389 (cited by GeneReviews); NCBI Bookshelf NBK1210 (cited by GeneReviews).